The following is an entry in ClinVar:

ClinVar aggregate classification (germline): Uncertain significance. Review status: criteria provided, multiple submitters, no conflicts (2 of 4 stars). 2 submissions from 2 submitters: Uncertain significance (2). Last evaluated 2025-10-17.

Conditions:
RAI1-related disorder. Also called: RAI1-related condition.

Submissions (2):

PreventionGenetics, part of Exact Sciences
Classification: Uncertain significance for RAI1-related condition. Last evaluated: 2025-10-17. Review status: criteria provided, single submitter. Criteria: ACMG Guidelines, 2015. Collection method: clinical testing. Allele origin: germline.
Comment: The RAI1 c.136_144del9 variant is predicted to result in an in-frame deletion (p.Leu46_Lys48del). To our knowledge, this variant has not been reported in the literature or in a large population database (gnomAD), indicating this variant is rare. At this time, the clinical significance of this variant is uncertain due to the absence of conclusive functional and genetic evidence.

GeneDx
Classification: Uncertain significance. Last evaluated: 2020-12-28. Review status: criteria provided, single submitter. Criteria: GeneDx Variant Classification Process June 2021. Collection method: clinical testing. Allele origin: germline. Affected: yes.
Comment: Not observed in large population cohorts (Lek et al., 2016); In-frame deletion of 3 amino acids in a non-repeat region; In silico analysis supports a deleterious effect on protein structure/function; Has not been previously published as pathogenic or benign to our knowledge

NM_030665.4(RAI1):c.136_144del (p.Leu46_Lys48del)

Gene: RAI1 (retinoic acid induced 1; plus strand). Cytogenetic location: 17p11.2.
Variant type: Deletion.
Coding change: c.136_144del on transcript NM_030665.4 (MANE Select); coding-DNA positions 136 to 144, 9 bases deleted (CTCGCCAAG; older notation c.136_144delCTCGCCAAG).
Protein change: p.Leu46_Lys48del.
Molecular consequence: inframe deletion.
Genome position (GRCh38, 1-based): chr17:17,793,084-17,793,092, CTCGCCAAG deleted; deleting any 9 consecutive bases within chr17:17,793,083-17,793,092 gives the same sequence; the c. name uses the placement nearest the transcript's 3' end. VCF-style (leftmost placement, unchanged base first): chr17-17793082-TGCTCGCCAA-T. GRCh37 (hg19) VCF-style: chr17-17696396-TGCTCGCCAA-T.
Other names: c.136_144del9 (NM_030665.3).
Identifiers: ClinVar variation 1313756 (VCV001313756.3), dbSNP rs1402735523, ClinGen allele CA726621326.